The following is an entry in ClinVar:

ClinVar aggregate classification (germline): Uncertain significance (1 of 4 stars; one submission).

Allele frequency attached by ClinVar (database versions not stated): ExAC 0.00001; gnomAD 0.00001; gnomAD exomes below 0.00001; TOPMed below 0.00001.
gnomAD v4.1: 4 of 1,614,060 alleles (0.00025%); highest among the groups gnomAD compares: Non-Finnish European, 0.00034%; no homozygotes.

Submission:

Labcorp Genetics (formerly Invitae), Labcorp
Classification: Uncertain significance. Last evaluated: 2022-09-07. Review status: criteria provided, single submitter. Criteria: Invitae Variant Classification Sherloc (09022015). Collection method: clinical testing. Allele origin: germline.
Comment: This sequence change replaces threonine, which is neutral and polar, with methionine, which is neutral and non-polar, at codon 667 of the MTHFD1 protein (p.Thr667Met). This variant is present in population databases (rs755766009, gnomAD 0.006%). This variant has not been reported in the literature in individuals affected with MTHFD1-related conditions. Algorithms developed to predict the effect of missense changes on protein structure and function are either unavailable or do not agree on the potential impact of this missense change (SIFT: "Deleterious"; PolyPhen-2: "Benign"; Align-GVGD: "Class C0"). In summary, the available evidence is currently insufficient to determine the role of this variant in disease. Therefore, it has been classified as a Variant of Uncertain Significance.

NM_005956.4(MTHFD1):c.2000C>T (p.Thr667Met)

Gene: MTHFD1 (methylenetetrahydrofolate dehydrogenase, cyclohydrolase and formyltetrahydrofolate synthetase 1; plus strand). Cytogenetic location: 14q23.3.
Variant type: single nucleotide variant.
Coding change: c.2000C>T on transcript NM_005956.4 (MANE Select); coding-DNA position 2000, C replaced by T.
Protein change: p.Thr667Met; replaces threonine 667 with methionine.
Molecular consequence: missense variant.
Genome position (GRCh38, 1-based): chr14:64,442,266, C>T. VCF-style: chr14-64442266-C-T. GRCh37 (hg19) VCF-style: chr14-64908984-C-T.
Other names: c.2000C>T, p.Thr667Met (NM_001364837.1); short protein forms T667M.
Identifiers: ClinVar variation 2006132 (VCV002006132.4), dbSNP rs755766009, ClinGen allele CA7226463.